The following is an entry in ClinVar:

NM_004667.6(HERC2):c.12612C>T (p.Cys4204=)

Gene: HERC2 (HECT and RLD domain containing E3 ubiquitin protein ligase 2; minus strand). Cytogenetic location: 15q13.1.
Variant type: single nucleotide variant.
Coding change: c.12612C>T on transcript NM_004667.6 (MANE Select); coding-DNA position 12612, C replaced by T.
Protein change: p.Cys4204=; no amino-acid change (cysteine 4204 retained).
Molecular consequence: synonymous variant.
Genome position (GRCh38, 1-based): chr15:28,130,553, G>A on the plus strand (C>T on the coding strand, the complement: HERC2 is on the minus strand). VCF-style: chr15-28130553-G-A. GRCh37 (hg19) VCF-style: chr15-28375699-G-A.
Identifiers: ClinVar variation 777694 (VCV000777694.6), dbSNP rs61756151, ClinGen allele CA7440255.
Genomic context (GRCh38, chr15:28,130,553, plus strand): 5'-TCTTGCGTACCAGGTATAAACAGCTCCAGATTTGGTAAGGGCAACAGAAAACTGGGATCC[G>A]CATTCCACTTTAACTACTCCAAGACCAGTAAGAGAATCAATCTAGAGGGGGAAAAGGTTC-3'
Protein context (NP_004658.3, residues 4194-4214): LTGLGVVKVE[Cys4204=]GSQFSVALTK

ClinVar aggregate classification (germline): Benign. Review status: criteria provided, multiple submitters, no conflicts (2 of 4 stars). 3 submissions from 3 submitters: Benign (3). Last evaluated 2026-08-27.

Conditions:
HERC2-related disorder. Also called: HERC2-related condition.

Allele frequency attached by ClinVar (database versions not stated): gnomAD 0.00198 and 0.00284; TOPMed 0.00236; ESP Exome Variant Server 0.00254; gnomAD exomes 0.00362 and 0.00539; 1000 Genomes Project 30x 0.00453; 1000 Genomes Project 0.00479; ExAC 0.00553.
gnomAD v4.1: 5,798 of 1,613,782 alleles (0.36%); highest among the groups gnomAD compares: South Asian, 2.6%; 70 homozygotes.

Submissions (3):

PreventionGenetics, part of Exact Sciences
Classification: Benign for HERC2-related condition. Last evaluated: 2026-08-27. Review status: criteria provided, single submitter. Criteria: ACMG Guidelines, 2015. Collection method: clinical testing. Allele origin: germline.
Comment: This variant is classified as benign based on ACMG/AMP sequence variant interpretation guidelines (Richards et al. 2015 PMID: 25741868, with internal and published modifications).

Labcorp Genetics (formerly Invitae), Labcorp
Classification: Benign. Last evaluated: 2019-12-31. Review status: criteria provided, single submitter. Criteria: Invitae Variant Classification Sherloc (09022015). Collection method: clinical testing. Allele origin: germline.

Breakthrough Genomics
Classification: Benign. Review status: criteria provided, single submitter. Criteria: ACMG Guidelines, 2015. Collection method: not provided. Allele origin: germline. Inheritance: Autosomal recessive inheritance. Affected: yes.